The following is an entry in ClinVar:

NM_000211.5(ITGB2):c.353C>A (p.Thr118Asn)

Gene: ITGB2 (integrin subunit beta 2; minus strand). Cytogenetic location: 21q22.3.
Variant type: single nucleotide variant.
Coding change: c.353C>A on transcript NM_000211.5 (MANE Select); coding-DNA position 353, C replaced by A.
Protein change: p.Thr118Asn; replaces threonine 118 with asparagine.
Molecular consequence: missense variant.
Genome position (GRCh38, 1-based): chr21:44,903,511, G>T on the plus strand (C>A on the coding strand, the complement: ITGB2 is on the minus strand). VCF-style: chr21-44903511-G-T. GRCh37 (hg19) VCF-style: chr21-46323426-G-T.
Other names: c.353C>A, p.Thr118Asn (NM_001127491.3); c.146C>A, p.Thr49Asn (NM_001303238.2); c.353C>A (NM_000211.3); short protein forms T118N, T49N.
Identifiers: ClinVar variation 530680 (VCV000530680.7), dbSNP rs758449686, ClinGen allele CA10063234.

ClinVar aggregate classification (germline): Uncertain significance. Review status: criteria provided, multiple submitters, no conflicts (2 of 4 stars). 2 submissions from 2 submitters: Uncertain significance (2). Last evaluated 2023-09-20.

Conditions:
Leukocyte adhesion deficiency 1 (LAD1). Also called: LEUKOCYTE ADHESION DEFICIENCY, TYPE I; LAD 1; Lymphocyte function-associated antigen 1 immunodeficiency; LFA 1 immunodeficiency. Identifiers: Orphanet 2968, Orphanet 99842, MedGen C0398738, MONDO:0007293, OMIM 116920.
Inborn genetic diseases. Identifiers: MedGen C0950123, MeSH D030342.

Allele frequency attached by ClinVar (database versions not stated): ExAC 0.00001; TOPMed 0.00001; gnomAD 0.00002; gnomAD exomes 0.00002 and 0.00003.
gnomAD v4.1: 44 of 1,613,990 alleles (0.0027%); highest among the groups gnomAD compares: Non-Finnish European, 0.0036%; no homozygotes.

Submissions (2):

Ambry Genetics
Classification: Uncertain significance for Inborn genetic diseases. Last evaluated: 2023-09-20. Review status: criteria provided, single submitter. Criteria: Ambry Variant Classification Scheme 2023. Collection method: clinical testing. Allele origin: germline.

Labcorp Genetics (formerly Invitae), Labcorp
Classification: Uncertain significance for Leukocyte adhesion deficiency 1. Last evaluated: 2021-09-01. Review status: criteria provided, single submitter. Criteria: Invitae Variant Classification Sherloc (09022015). Collection method: clinical testing. Allele origin: germline.
Comment: This sequence change replaces threonine with asparagine at codon 118 of the ITGB2 protein (p.Thr118Asn). The threonine residue is highly conserved and there is a small physicochemical difference between threonine and asparagine. This variant is present in population databases (rs758449686, ExAC 0.002%). This variant has not been reported in the literature in individuals affected with ITGB2-related conditions. Algorithms developed to predict the effect of missense changes on protein structure and function are either unavailable or do not agree on the potential impact of this missense change (SIFT: "Deleterious"; PolyPhen-2: "Benign"; Align-GVGD: "Class C55"). In summary, the available evidence is currently insufficient to determine the role of this variant in disease. Therefore, it has been classified as a Variant of Uncertain Significance.